The following is an entry in ClinVar:

ClinVar aggregate classification (germline): Uncertain significance (1 of 4 stars; one submission).

Conditions:
ENHANCED S-CONE SYNDROME 1 (ESCS1). Also called: RETINOSCHISIS WITH EARLY HEMERALOPIA; FAVRE HYALOIDEORETINAL DEGENERATION. Identifiers: MedGen CN380299, OMIM 268100.

gnomAD v4.1: 2 of 1,575,080 alleles (0.00013%); highest among the groups gnomAD compares: Non-Finnish European, 0.000086%; no homozygotes.

Submission:

Myriad Genetics, Inc.
Classification: Uncertain significance for ENHANCED S-CONE SYNDROME 1. Last evaluated: 2026-06-26. Review status: criteria provided, single submitter. Criteria: Myriad Autosomal Dominant, Autosomal Recessive and X-Linked Classification Criteria (2023). Collection method: clinical testing. Allele origin: unknown.
Comment: NM_014249.2(NR2E3):c.25A>G(M9V) is a missense variant classified as a variant of uncertain significance in the context of enhanced S-cone syndrome. M9V has not been observed in cases with relevant disease. Relevant functional assessments of this variant are not available in the literature. M9V has not been observed in referenced population frequency databases. In summary, there is insufficient evidence to classify NM_014249.2(NR2E3):c.25A>G(M9V) as pathogenic or benign. Please note: this variant was assessed in the context of healthy population screening.

NM_014249.4(NR2E3):c.25A>G (p.Met9Val)

Gene: NR2E3 (nuclear receptor subfamily 2 group E member 3; plus strand). Cytogenetic location: 15q23.
Variant type: single nucleotide variant.
Coding change: c.25A>G on transcript NM_014249.4 (MANE Select); coding-DNA position 25, A replaced by G.
Protein change: p.Met9Val; replaces methionine 9 with valine.
Molecular consequence: missense variant.
Genome position (GRCh38, 1-based): chr15:71,810,768, A>G. VCF-style: chr15-71810768-A-G. GRCh37 (hg19) VCF-style: chr15-72103108-A-G.
Other names: c.25A>G, p.Met9Val (NM_016346.4); short protein forms M9V.
Identifiers: ClinVar variation 5003658 (VCV005003658.1).
Genomic context (GRCh38, chr15:71,810,768, plus strand): 5'-GCCTCCCGCAGGCAGGCAGAGGCTGCCCTGTAACCCATGGAGACCAGACCAACAGCTCTG[A>G]TGAGCTCCACAGTGGCTGCAGCTGCGCCTGCAGCTGGGGCTGCCTCCAGGAAGGAGTCTC-3'
Protein context (NP_055064.1, residues 1-19): METRPTAL[Met9Val]SSTVAAAAPA